The following is an entry in ClinVar:

NM_206933.4(USH2A):c.14865C>G (p.Phe4955Leu)

Gene: USH2A (usherin; minus strand). Cytogenetic location: 1q41.
Variant type: single nucleotide variant.
Coding change: c.14865C>G on transcript NM_206933.4 (MANE Select); coding-DNA position 14865, C replaced by G.
Protein change: p.Phe4955Leu; replaces phenylalanine 4955 with leucine.
Molecular consequence: missense variant.
Genome position (GRCh38, 1-based): chr1:215,640,661, G>C on the plus strand (C>G on the coding strand, the complement: USH2A is on the minus strand). VCF-style: chr1-215640661-G-C. GRCh37 (hg19) VCF-style: chr1-215814003-G-C.
Other names: short protein forms F4955L.
Identifiers: ClinVar variation 858058 (VCV000858058.9), dbSNP rs1656647981, ClinGen allele CA344828073.
Genomic context (GRCh38, chr1:215,640,661, plus strand): 5'-GCTGTACACGCGTCGCCCTCCGTCGGTTAACACGTACTCCTTCAGTTGGCCGTTCAGGAG[G>C]AAGGTGTCACTCCAGTTCACACACACCACAGACAAATTGCTGTCCACCGAAAATGGGGCT-3'
Protein context (NP_996816.3, residues 4945-4965): SVVCVNWSDT[Phe4955Leu]LLNGQLKEYV

ClinVar aggregate classification (germline): Uncertain significance (1 of 4 stars; one submission).

Submission:

Labcorp Genetics (formerly Invitae), Labcorp
Classification: Uncertain significance. Last evaluated: 2019-11-20. Review status: criteria provided, single submitter. Criteria: Invitae Variant Classification Sherloc (09022015). Collection method: clinical testing. Allele origin: germline.
Comment: In summary, the available evidence is currently insufficient to determine the role of this variant in disease. Therefore, it has been classified as a Variant of Uncertain Significance. Algorithms developed to predict the effect of missense changes on protein structure and function are either unavailable or do not agree on the potential impact of this missense change (SIFT: "Deleterious"; PolyPhen-2: "Probably Damaging"; Align-GVGD: "Class C0"). This variant has not been reported in the literature in individuals with USH2A-related conditions. This variant is not present in population databases (ExAC no frequency). This sequence change replaces phenylalanine with leucine at codon 4955 of the USH2A protein (p.Phe4955Leu). The phenylalanine residue is highly conserved and there is a small physicochemical difference between phenylalanine and leucine.